The following is an entry in ClinVar:

ClinVar aggregate classification (germline): Benign/Likely benign. Review status: criteria provided, multiple submitters, no conflicts (2 of 4 stars). 5 submissions from 5 submitters: Benign (2); Likely benign (2). 1 of the submissions does not count toward it. Last evaluated 2025-12-24.

Conditions:
FCSK-related disorder. Also called: FCSK-related condition.

Allele frequency attached by ClinVar (database versions not stated): 1000 Genomes Project 30x 0.00172; 1000 Genomes Project 0.00180; gnomAD 0.00335 and 0.00336; gnomAD exomes 0.00344 and 0.00451; ExAC 0.00355; TOPMed 0.00368; ESP Exome Variant Server 0.00493.
gnomAD v4.1: 7,096 of 1,614,096 alleles (0.44%); highest among the groups gnomAD compares: Middle Eastern, 0.68%; 20 homozygotes.

Submissions (5):

Labcorp Genetics (formerly Invitae), Labcorp
Classification: Benign. Last evaluated: 2025-12-24. Review status: criteria provided, single submitter. Criteria: Invitae Variant Classification Sherloc (09022015). Collection method: clinical testing. Allele origin: germline.

CeGaT Center for Human Genetics Tuebingen
Classification: Likely benign. Last evaluated: 2025-05-01. Review status: criteria provided, single submitter. Criteria: CeGaT Center For Human Genetics Tuebingen Variant Classification Criteria Version 2. Collection method: clinical testing. Allele origin: germline. Affected: yes. Observed: 3 variant alleles.
Comment: FCSK: BP4, BP7, BS2

Blueprint Genetics
Classification: Likely benign. Last evaluated: 2024-11-25. Review status: criteria provided, single submitter. Criteria: ACMG Guidelines, 2015. Collection method: clinical testing. Allele origin: germline.

Breakthrough Genomics
Classification: Benign. Review status: criteria provided, single submitter. Criteria: ACMG Guidelines, 2015. Collection method: not provided. Allele origin: germline. Inheritance: Autosomal recessive inheritance. Affected: yes.

PreventionGenetics, part of Exact Sciences
Classification: Likely benign for FCSK-related condition. Last evaluated: 2019-05-23. Review status: no assertion criteria provided. Collection method: clinical testing. Allele origin: germline. Not counted in ClinVar's aggregate classification.
Comment: This variant is classified as likely benign based on ACMG/AMP sequence variant interpretation guidelines (Richards et al. 2015 PMID: 25741868, with internal and published modifications).

NM_145059.3(FCSK):c.804T>A (p.Ile268=)

Gene: FCSK (fucose kinase; plus strand). Cytogenetic location: 16q22.1.
Variant type: single nucleotide variant.
Coding change: c.804T>A on transcript NM_145059.3 (MANE Select); coding-DNA position 804, T replaced by A.
Protein change: p.Ile268=; no amino-acid change (isoleucine 268 retained).
Molecular consequence: synonymous variant.
Genome position (GRCh38, 1-based): chr16:70,469,172, T>A. VCF-style: chr16-70469172-T-A. GRCh37 (hg19) VCF-style: chr16-70503075-T-A.
Other names: c.804T>A (NM_145059.2).
Identifiers: ClinVar variation 1682357 (VCV001682357.34), dbSNP rs78440411, ClinGen allele CA8143095.